The following is an entry in ClinVar:

NM_024675.4(PALB2):c.2997-19C>T

Gene: PALB2 (partner and localizer of BRCA2; minus strand). Cytogenetic location: 16p12.2.
Variant type: single nucleotide variant.
Coding change: c.2997-19C>T on transcript NM_024675.4 (MANE Select); 19 bases into the intron before coding-DNA position 2997, C replaced by T.
Molecular consequence: intron variant.
Genome position (GRCh38, 1-based): chr16:23,621,497, G>A on the plus strand (C>T on the coding strand, the complement: PALB2 is on the minus strand). VCF-style: chr16-23621497-G-A. GRCh37 (hg19) VCF-style: chr16-23632818-G-A.
Other names: c.2112-19C>T (NM_001407308.1, NM_001407306.1, NM_001407309.1 and 4 more transcripts); c.531-19C>T (NM_001407314.1); c.1209-19C>T (NM_001407313.1, NM_001407312.1); c.2937-19C>T (NM_001407296.1); c.2925-19C>T (NM_001407297.1); c.2835-19C>T (NM_001407302.1, NM_001407298.1); c.2834+2512C>T (NM_001407300.1); c.2997-19C>T (NM_001407299.1, NM_001407301.1); and 1 more.
Identifiers: ClinVar variation 3903799 (VCV003903799.1).

ClinVar aggregate classification (germline): Likely benign (1 of 4 stars; one submission).

Conditions:
Familial cancer of breast. Also called: Hereditary breast cancer; hereditary breast carcinoma; BREAST CANCER, FAMILIAL. Identifiers: Orphanet 227535, MedGen C0346153, MONDO:0016419, OMIM 114480. Disease mechanism: loss of function.

Submission:

Myriad Genetics, Inc.
Classification: Likely benign for Familial cancer of breast. Last evaluated: 2025-01-21. Review status: criteria provided, single submitter. Criteria: Myriad Autosomal Dominant, Autosomal Recessive and X-Linked Classification Criteria (2023). Collection method: clinical testing. Allele origin: unknown.
Comment: This variant is considered likely benign. This variant is intronic and is not expected to impact mRNA splicing.